The following is an entry in ClinVar:

NM_152281.3(GORAB):c.*884C>A

Gene: GORAB (golgin, RAB6 interacting; plus strand). Cytogenetic location: 1q24.2.
Variant type: single nucleotide variant.
Coding change: c.*884C>A on transcript NM_152281.3 (MANE Select); 884 bases downstream of the stop codon, C replaced by A.
Molecular consequence: 3 prime UTR variant. On other transcripts: non-coding transcript variant (1).
Genome position (GRCh38, 1-based): chr1:170,553,346, C>A. VCF-style: chr1-170553346-C-A. GRCh37 (hg19) VCF-style: chr1-170522487-C-A.
Other names: c.*884C>A (NM_001320252.2).
Identifiers: ClinVar variation 293674 (VCV000293674.5), dbSNP rs76753490, ClinGen allele CA1239363.

ClinVar aggregate classification (germline): Benign (1 of 4 stars; one submission).

Conditions:
Geroderma osteodysplastica (GO). Also called: WALT DISNEY DWARFISM; Geroderma osteodysplasticum. Identifiers: Orphanet 2078, MedGen C0432255, MONDO:0009271, OMIM 231070.

Allele frequency attached by ClinVar (database versions not stated): ExAC 0.00866; gnomAD exomes 0.01401; gnomAD 0.05284 and 0.05650; TOPMed 0.05930; 1000 Genomes Project 0.06090; 1000 Genomes Project 30x 0.06371.
gnomAD v4.1: 10,555 of 452,410 alleles (2.3%); highest among the groups gnomAD compares: African/African-American, 18%; 790 homozygotes.

Submission:

Illumina Laboratory Services, Illumina
Classification: Benign for Geroderma osteodysplastica. Last evaluated: 2018-01-13. Review status: criteria provided, single submitter. Criteria: ICSL Variant Classification Criteria 13 December 2019. Collection method: clinical testing. Allele origin: germline.
Comment: This variant was observed in the ICSL laboratory as part of a predisposition screen in an ostensibly healthy population. It had not been previously curated by ICSL or reported in the Human Gene Mutation Database (HGMD: prior to June 1st, 2018), and was therefore a candidate for classification through an automated scoring system. Utilizing variant allele frequency, disease prevalence and penetrance estimates, and inheritance mode, an automated score was calculated to assess if this variant is too frequent to cause the disease. Based on the score and internal cut-off values, a variant classified as benign is not then subjected to further curation. The score for this variant resulted in a classification of benign for this disease.